The following is an entry in ClinVar:

ClinVar aggregate classification (germline): Pathogenic. Review status: criteria provided, multiple submitters, no conflicts (2 of 4 stars). 3 submissions from 3 submitters: Pathogenic (3). Last evaluated 2025-12-30.

Conditions:
Hereditary cancer-predisposing syndrome. Also called: Neoplastic Syndromes, Hereditary; Hereditary neoplastic syndrome; Tumor predisposition; Hereditary Cancer Syndrome. Identifiers: Orphanet 140162, MedGen C0027672, MeSH D009386, MONDO:0015356.
Familial cancer of breast. Also called: Hereditary breast cancer; BREAST CANCER, FAMILIAL; hereditary breast carcinoma. Identifiers: Orphanet 227535, MedGen C0346153, MONDO:0016419, OMIM 114480. Disease mechanism: loss of function.

Submissions (3):

Ambry Genetics
Classification: Pathogenic for Hereditary cancer-predisposing syndrome. Last evaluated: 2025-12-30. Review status: criteria provided, single submitter. Criteria: Ambry Variant Classification Scheme 2023. Collection method: clinical testing. Allele origin: germline.
Comment: The p.W485* pathogenic mutation (also known as c.1454G>A), located in coding exon 12 of the CHEK2 gene, results from a G to A substitution at nucleotide position 1454. This changes the amino acid from a tryptophan to a stop codon within coding exon 12. This alteration is expected to result in loss of function by premature protein truncation or nonsense-mediated mRNA decay. As such, this alteration is interpreted as a disease-causing mutation.

Labcorp Genetics (formerly Invitae), Labcorp
Classification: Pathogenic for Familial cancer of breast. Last evaluated: 2025-03-16. Review status: criteria provided, single submitter. Criteria: Invitae Variant Classification Sherloc (09022015). Collection method: clinical testing. Allele origin: germline.
Comment: This sequence change creates a premature translational stop signal (p.Trp485*) in the CHEK2 gene. It is expected to result in an absent or disrupted protein product. Loss-of-function variants in CHEK2 are known to be pathogenic (PMID: 21876083, 24713400). This variant is not present in population databases (gnomAD no frequency). This variant has not been reported in the literature in individuals affected with CHEK2-related conditions. ClinVar contains an entry for this variant (Variation ID: 566581). For these reasons, this variant has been classified as Pathogenic.

Myriad Genetics, Inc.
Classification: Pathogenic for Familial cancer of breast. Last evaluated: 2023-06-28. Review status: criteria provided, single submitter. Criteria: Myriad Autosomal Dominant, Autosomal Recessive and X-Linked Classification Criteria (2023). Collection method: clinical testing. Allele origin: unknown.
Comment: This variant is considered pathogenic. This variant creates a termination codon and is predicted to result in premature protein truncation.

Literature cited by the submitters: PubMed 21876083 (cited by Labcorp Genetics (formerly Invitae), Labcorp); PubMed 24713400 (cited by Labcorp Genetics (formerly Invitae), Labcorp).

NM_007194.4(CHEK2):c.1454G>A (p.Trp485Ter)

Gene: CHEK2 (checkpoint kinase 2; minus strand). Cytogenetic location: 22q12.1.
Variant type: single nucleotide variant.
Coding change: c.1454G>A on transcript NM_007194.4 (MANE Select); coding-DNA position 1454, G replaced by A.
Protein change: p.Trp485Ter; replaces tryptophan 485 with a stop codon.
Molecular consequence: nonsense.
Genome position (GRCh38, 1-based): chr22:28,694,039, C>T on the plus strand (G>A on the coding strand, the complement: CHEK2 is on the minus strand). VCF-style: chr22-28694039-C-T. GRCh37 (hg19) VCF-style: chr22-29090027-C-T.
Other names: c.1583G>A, p.Trp528Ter (NM_001005735.3); c.791G>A, p.Trp264Ter (NM_001257387.3); c.1253G>A, p.Trp418Ter (NM_001349956.3); c.1367G>A, p.Trp456Ter (NM_145862.3); short protein forms W485*, W418*, W264*, W456*, W528*.
Identifiers: ClinVar variation 566581 (VCV000566581.11), dbSNP rs1199577809, ClinGen allele CA411093942.